The following is an entry in ClinVar:

ClinVar aggregate classification (germline): Likely benign. Review status: criteria provided, single submitter (1 of 4 stars). 2 submissions from 2 submitters: Likely benign (1). 1 of the submissions does not count toward it. Last evaluated 2022-07-01.

Conditions:
SLC4A5-related disorder. Also called: SLC4A5-related condition.

Allele frequency attached by ClinVar (database versions not stated): ExAC 0.00018; ESP Exome Variant Server 0.00023; TOPMed 0.00024; gnomAD 0.00025.
gnomAD v4.1: 628 of 1,612,860 alleles (0.039%); highest among the groups gnomAD compares: Non-Finnish European, 0.051%; 1 homozygote.

Submissions (2):

CeGaT Center for Human Genetics Tuebingen
Classification: Likely benign. Last evaluated: 2022-07-01. Review status: criteria provided, single submitter. Criteria: CeGaT Center For Human Genetics Tuebingen Variant Classification Criteria Version 2. Collection method: clinical testing. Allele origin: germline. Affected: yes. Observed: 1 variant allele.
Comment: SLC4A5: BP4, BP7

PreventionGenetics, part of Exact Sciences
Classification: Likely benign for SLC4A5-related condition. Last evaluated: 2019-07-16. Review status: no assertion criteria provided. Collection method: clinical testing. Allele origin: germline. Not counted in ClinVar's aggregate classification.
Comment: This variant is classified as likely benign based on ACMG/AMP sequence variant interpretation guidelines (Richards et al. 2015 PMID: 25741868, with internal and published modifications).

NM_133478.3(SLC4A5):c.339C>G (p.Leu113=)

Gene: SLC4A5 (solute carrier family 4 member 5; minus strand). Cytogenetic location: 2p13.1.
Variant type: single nucleotide variant.
Coding change: c.339C>G on transcript NM_133478.3 (MANE Select); coding-DNA position 339, C replaced by G.
Protein change: p.Leu113=; no amino-acid change (leucine 113 retained).
Molecular consequence: synonymous variant. On other transcripts: 5 prime UTR variant (1).
Genome position (GRCh38, 1-based): chr2:74,285,835, G>C on the plus strand (C>G on the coding strand, the complement: SLC4A5 is on the minus strand). VCF-style: chr2-74285835-G-C. GRCh37 (hg19) VCF-style: chr2-74512962-G-C.
Other names: c.-10C>G (NM_001386136.1); c.339C>G, p.Leu113= (NM_021196.3).
Identifiers: ClinVar variation 2651067 (VCV002651067.25), dbSNP rs138583126, ClinGen allele CA1721177.